The following is an entry in ClinVar:

ClinVar aggregate classification (germline): Likely pathogenic (1 of 4 stars; one submission).

Conditions:
Pyknodysostosis. Also called: Pycnodysostosis. Identifiers: Orphanet 763, MedGen C0238402, MONDO:0009940, OMIM 265800.

Submission:

Myriad Genetics, Inc.
Classification: Likely pathogenic for Pyknodysostosis. Last evaluated: 2022-03-01. Review status: criteria provided, single submitter. Criteria: Myriad Women's Health Autosomal Recessive and X-Linked Classification Criteria (2021). Collection method: clinical testing. Allele origin: unknown.
Comment: NM_000396.3(CTSK):c.475_476ins11(L159Qfs*6) is expected to be pathogenic in the context of pycnodysostosis. This variant is predicted to lead to an abnormal or absent protein product due to the creation of a premature termination codon in CTSK, a gene where loss-of-function variants are known to be pathogenic. Please note: this variant was assessed in the context of healthy population screening.

NM_000396.4(CTSK):c.475_476insAGCCATCATTG (p.Leu159fs)

Gene: CTSK (cathepsin K; minus strand). Cytogenetic location: 1q21.3.
Variant type: Insertion.
Coding change: c.475_476insAGCCATCATTG on transcript NM_000396.4 (MANE Select); coding-DNA positions 475 to 476, AGCCATCATTG inserted.
Protein change: p.Leu159fs; shifts the reading frame from leucine 159.
Molecular consequence: frameshift variant.
Genome position: GRCh38 VCF-style: chr1-150804163-A-ACAATGATGGCT. GRCh37 (hg19) VCF-style: chr1-150776639-A-ACAATGATGGCT.
Other names: short protein forms L159fs.
Identifiers: ClinVar variation 1724839 (VCV001724839.2), dbSNP rs2525173940, ClinGen allele CA2580060999.
Genomic context (GRCh38, chr1:150,804,163, plus strand): 5'-CCTCCACAGCCATCATTCTCAGACACACAATCCACTAGGTTCTGGGGACTCAGATTTAAG[A>ACAATGATGGCT]GTTTGCCAGTTTTCTTCTTGAGTTGGCCCTCCAGGGCACCCACAGAGCTAAAAGCCCAAC-3'